The following is an entry in ClinVar:

ClinVar aggregate classification (germline): Uncertain significance. Review status: criteria provided, multiple submitters, no conflicts (2 of 4 stars). 2 submissions from 2 submitters: Uncertain significance (2). Last evaluated 2024-01-08.

Allele frequency attached by ClinVar (database versions not stated): gnomAD 0.00001; ExAC 0.00023.
gnomAD v4.1: 53 of 1,550,522 alleles (0.0034%); highest among the groups gnomAD compares: South Asian, 0.056%; no homozygotes.

Submissions (2):

Ambry Genetics
Classification: Uncertain significance. Last evaluated: 2024-01-08. Review status: criteria provided, single submitter. Criteria: Ambry Variant Classification Scheme 2023. Collection method: clinical testing. Allele origin: germline.

GeneDx
Classification: Uncertain significance. Last evaluated: 2023-11-23. Review status: criteria provided, single submitter. Criteria: GeneDx Variant Classification Process June 2021. Collection method: clinical testing. Allele origin: germline. Affected: yes.
Comment: Has not been previously published as pathogenic or benign to our knowledge; In silico analysis supports that this missense variant has a deleterious effect on protein structure/function

NM_001367479.1(DNAH14):c.6272G>T (p.Cys2091Phe)

Gene: DNAH14 (dynein axonemal heavy chain 14; plus strand). Cytogenetic location: 1q42.12.
Variant type: single nucleotide variant.
Coding change: c.6272G>T on transcript NM_001367479.1 (MANE Select); coding-DNA position 6272, G replaced by T.
Protein change: p.Cys2091Phe; replaces cysteine 2091 with phenylalanine.
Molecular consequence: missense variant.
Genome position (GRCh38, 1-based): chr1:225,207,053, G>T. VCF-style: chr1-225207053-G-T. GRCh37 (hg19) VCF-style: chr1-225394755-G-T.
Other names: NM_001373.1:c.6206G>T; short protein forms C2091F.
Identifiers: ClinVar variation 3083656 (VCV003083656.2), dbSNP rs769365974, ClinGen allele CA1416205.
Genomic context (GRCh38, chr1:225,207,053, plus strand): 5'-CTTATGTTAAGTCATGGCTTCTGAAAACTTCTAAAATTATAAGTCAATCAGGAGTGGATT[G>T]TCTTGAATTCATGATTAAAAATAGTGTCACAGACGGACTACAATTTATAAGGAATCGTCA-3'
Protein context (NP_001354408.1, residues 2081-2101): SKIISQSGVD[Cys2091Phe]LEFMIKNSVT